The following is an entry in ClinVar:

ClinVar aggregate classification (germline): Likely pathogenic (1 of 4 stars; one submission).

Conditions:
Hereditary breast ovarian cancer syndrome. Also called: Hereditary breast and ovarian cancer syndrome; BRCA1- and BRCA2-Associated Hereditary Breast and Ovarian Cancer; Hereditary breast and ovarian cancer syndrome (HBOC); Hereditary breast and/or ovarian cancer syndrome; Hereditary breast and ovarian cancer; Breast and ovarian cancer. Identifiers: Orphanet 145, MedGen C0677776, MeSH D061325, MONDO:0003582. Disease mechanism: loss of function.

Submission:

Labcorp Genetics (formerly Invitae), Labcorp
Classification: Likely pathogenic for Hereditary breast ovarian cancer syndrome. Last evaluated: 2022-04-12. Review status: criteria provided, single submitter. Criteria: Invitae Variant Classification Sherloc (09022015). Collection method: clinical testing. Allele origin: germline.
Comment: This variant is not present in population databases (gnomAD no frequency). In summary, the currently available evidence indicates that the variant is pathogenic, but additional data are needed to prove that conclusively. Therefore, this variant has been classified as Likely Pathogenic. Algorithms developed to predict the effect of sequence changes on RNA splicing suggest that this variant may disrupt the consensus splice site. This variant has not been reported in the literature in individuals affected with BRCA2-related conditions. This variant results in the deletion of part of exon 13 (c.6938-5_6956del) of the BRCA2 gene. It is expected to disrupt RNA splicing. Variants that disrupt the donor or acceptor splice site typically lead to a loss of protein function (PMID: 16199547), and loss-of-function variants in BRCA2 are known to be pathogenic (PMID: 20104584).

Literature cited by the submitters: PubMed 16199547; PubMed 20104584.

NM_000059.4(BRCA2):c.6938-5_6956del

Gene: BRCA2 (BRCA2 DNA repair associated; plus strand). Cytogenetic location: 13q13.1.
Variant type: Deletion.
Coding change: c.6938-5_6956del on transcript NM_000059.4 (MANE Select); 5 bases into the intron before coding-DNA position 6938 through coding-DNA position 6956, 24 bases deleted (CCTAGGCACAATAAAAGATCGAAG).
Molecular consequence: splice acceptor variant.
Genome position (GRCh38, 1-based): chr13:32,346,822-32,346,845, CCTAGGCACAATAAAAGATCGAAG deleted. VCF-style (leftmost placement, unchanged base first): chr13-32346821-TCCTAGGCACAATAAAAGATCGAAG-T. GRCh37 (hg19) VCF-style: chr13-32920958-TCCTAGGCACAATAAAAGATCGAAG-T.
Identifiers: ClinVar variation 2125014 (VCV002125014.4), dbSNP rs2548536982, ClinGen allele CA2580087332.
Genomic context (GRCh38, chr13:32,346,821, plus strand): 5'-TTTACAGTAACATGGATATTCTCTTAGATTTTAACTAATATGTAATATAAAATAATTGTT[TCCTAGGCACAATAAAAGATCGAAG>T]ATTGTTTATGCATCATGTTTCTTTAGAGCCGATTACCTGTGTACCCTTTCGGTAAGACAT-3'